The following is an entry in ClinVar:

ClinVar aggregate classification (germline): Uncertain significance (1 of 4 stars; one submission).

Conditions:
Primary ciliary dyskinesia. Also called: Ciliary dyskinesia. Identifiers: Orphanet 244, MedGen C0008780, MONDO:0016575, HP:0012265.

Allele frequency attached by ClinVar (database versions not stated): gnomAD 0.00001.
gnomAD v4.1: 6 of 1,614,070 alleles (0.00037%); highest among the groups gnomAD compares: African/African-American, 0.0027%; no homozygotes.

Submission:

Ambry Genetics
Classification: Uncertain significance for Primary ciliary dyskinesia. Last evaluated: 2023-02-20. Review status: criteria provided, single submitter. Criteria: Ambry Variant Classification Scheme 2023. Collection method: clinical testing. Allele origin: germline.
Comment: The p.D2927G variant (also known as c.8780A>G), located in coding exon 52 of the DNAH5 gene, results from an A to G substitution at nucleotide position 8780. The aspartic acid at codon 2927 is replaced by glycine, an amino acid with similar properties. This amino acid position is conserved. In addition, the in silico prediction for this alteration is inconclusive. Since supporting evidence is limited at this time, the clinical significance of this alteration remains unclear.

NM_001369.3(DNAH5):c.8780A>G (p.Asp2927Gly)

Gene: DNAH5 (dynein axonemal heavy chain 5; minus strand). Cytogenetic location: 5p15.2.
Variant type: single nucleotide variant.
Coding change: c.8780A>G on transcript NM_001369.3 (MANE Select); coding-DNA position 8780, A replaced by G.
Protein change: p.Asp2927Gly; replaces aspartic acid 2927 with glycine.
Molecular consequence: missense variant.
Genome position (GRCh38, 1-based): chr5:13,786,219, T>C on the plus strand (A>G on the coding strand, the complement: DNAH5 is on the minus strand). VCF-style: chr5-13786219-T-C. GRCh37 (hg19) VCF-style: chr5-13786328-T-C.
Other names: short protein forms D2927G.
Identifiers: ClinVar variation 2451390 (VCV002451390.2), dbSNP rs1426649944, ClinGen allele CA359215042.